The following is an entry in ClinVar:

NM_001384732.1(CPLANE1):c.420T>C (p.Leu140=)

Gene: CPLANE1 (ciliogenesis and planar polarity effector complex subunit 1; minus strand). Cytogenetic location: 5p13.2.
Variant type: single nucleotide variant.
Coding change: c.420T>C on transcript NM_001384732.1 (MANE Select); coding-DNA position 420, T replaced by C.
Protein change: p.Leu140=; no amino-acid change (leucine 140 retained).
Molecular consequence: synonymous variant.
Genome position (GRCh38, 1-based): chr5:37,244,525, A>G on the plus strand (T>C on the coding strand, the complement: CPLANE1 is on the minus strand). VCF-style: chr5-37244525-A-G. GRCh37 (hg19) VCF-style: chr5-37244627-A-G.
Other names: c.420T>C, p.Leu140= (NM_023073.4).
Identifiers: ClinVar variation 779816 (VCV000779816.13), dbSNP rs1056117590, ClinGen allele CA117068857.

ClinVar aggregate classification (germline): Likely benign. Review status: criteria provided, multiple submitters, no conflicts (2 of 4 stars). 5 submissions from 5 submitters: Likely benign (4). 1 of the submissions does not count toward it. Last evaluated 2024-10-26.

Conditions:
CPLANE1-related disorder. Also called: CPLANE1-related condition.
Orofaciodigital syndrome type 6 (OFD6). Also called: Central polydactyly cleft lip/palate or lingual lump and psychomotor retardation; Y-shaped central metacarpal and cerebellar defect; Joubert syndrome with orofacialdigital anomalies; OROFACIODIGITAL SYNDROME VI; OFDS VI; POLYDACTYLY, CLEFT LIP/PALATE OR LINGUAL LUMP, AND PSYCHOMOTOR RETARDATION. Identifiers: Orphanet 2754, MedGen C2745997, MONDO:0010176, OMIM 277170.
Joubert syndrome 17 (JBTS17). Identifiers: Orphanet 475, MedGen C3553264, MONDO:0013824, OMIM 614615.

Allele frequency attached by ClinVar (database versions not stated): gnomAD exomes 0.00001; gnomAD 0.00012 and 0.00014; TOPMed 0.00015.
gnomAD v4.1: 30 of 1,551,724 alleles (0.0019%); highest among the groups gnomAD compares: African/African-American, 0.04%; no homozygotes.

Submissions (5):

Labcorp Genetics (formerly Invitae), Labcorp
Classification: Likely benign. Last evaluated: 2024-10-26. Review status: criteria provided, single submitter. Criteria: Invitae Variant Classification Sherloc (09022015). Collection method: clinical testing. Allele origin: germline.

Blueprint Genetics
Classification: Likely benign. Last evaluated: 2022-10-27. Review status: criteria provided, single submitter. Criteria: ACMG Guidelines, 2015. Collection method: clinical testing. Allele origin: germline.

Fulgent Genetics
Classification: Likely benign for Orofaciodigital syndrome type 6; Joubert syndrome 17. Last evaluated: 2022-01-17. Review status: criteria provided, single submitter. Criteria: ACMG Guidelines, 2015. Collection method: clinical testing. Allele origin: unknown.

Breakthrough Genomics
Classification: Likely benign. Review status: criteria provided, single submitter. Criteria: ACMG Guidelines, 2015. Collection method: not provided. Allele origin: germline. Inheritance: Autosomal recessive inheritance. Affected: yes.

PreventionGenetics, part of Exact Sciences
Classification: Likely benign for CPLANE1-related condition. Last evaluated: 2022-04-29. Review status: no assertion criteria provided. Collection method: clinical testing. Allele origin: germline. Not counted in ClinVar's aggregate classification.
Comment: This variant is classified as likely benign based on ACMG/AMP sequence variant interpretation guidelines (Richards et al. 2015 PMID: 25741868, with internal and published modifications).